The following is an entry in ClinVar:

NM_014391.3(ANKRD1):c.860C>T (p.Thr287Met)

Gene: ANKRD1 (ankyrin repeat domain 1; minus strand). Cytogenetic location: 10q23.31.
Variant type: single nucleotide variant.
Coding change: c.860C>T on transcript NM_014391.3 (MANE Select); coding-DNA position 860, C replaced by T.
Protein change: p.Thr287Met; replaces threonine 287 with methionine.
Molecular consequence: missense variant.
Genome position (GRCh38, 1-based): chr10:90,912,966, G>A on the plus strand (C>T on the coding strand, the complement: ANKRD1 is on the minus strand). VCF-style: chr10-90912966-G-A. GRCh37 (hg19) VCF-style: chr10-92672723-G-A.
Other names: p.T287M:ACG>ATG; short protein forms T287M.
Identifiers: ClinVar variation 201667 (VCV000201667.10), dbSNP rs794728975, ClinGen allele CA335077.

ClinVar aggregate classification (germline): Uncertain significance. Review status: criteria provided, multiple submitters, no conflicts (2 of 4 stars). 3 submissions from 3 submitters: Uncertain significance (3). Last evaluated 2024-11-26.

Conditions:
Cardiovascular phenotype. Identifiers: MedGen CN230736.
ANKRD1-related dilated cardiomyopathy. Identifiers: MedGen CN119551.

Allele frequency attached by ClinVar (database versions not stated): gnomAD exomes 0.00001; gnomAD 0.00002; TOPMed 0.00003.
gnomAD v4.1: 12 of 1,613,856 alleles (0.00074%); highest among the groups gnomAD compares: African/African-American, 0.0093%; no homozygotes.

Submissions (3):

Labcorp Genetics (formerly Invitae), Labcorp
Classification: Uncertain significance for ANKRD1-related dilated cardiomyopathy. Last evaluated: 2024-11-26. Review status: criteria provided, single submitter. Criteria: Invitae Variant Classification Sherloc (09022015). Collection method: clinical testing. Allele origin: germline.
Comment: This sequence change replaces threonine, which is neutral and polar, with methionine, which is neutral and non-polar, at codon 287 of the ANKRD1 protein (p.Thr287Met). This variant is present in population databases (rs794728975, gnomAD 0.01%). This variant has not been reported in the literature in individuals affected with ANKRD1-related conditions. ClinVar contains an entry for this variant (Variation ID: 201667). Invitae Evidence Modeling of protein sequence and biophysical properties (such as structural, functional, and spatial information, amino acid conservation, physicochemical variation, residue mobility, and thermodynamic stability) indicates that this missense variant is not expected to disrupt ANKRD1 protein function with a negative predictive value of 80%. In summary, the available evidence is currently insufficient to determine the role of this variant in disease. Therefore, it has been classified as a Variant of Uncertain Significance.

Ambry Genetics
Classification: Uncertain significance for Cardiovascular phenotype. Last evaluated: 2024-08-07. Review status: criteria provided, single submitter. Criteria: Ambry Variant Classification Scheme 2023. Collection method: clinical testing. Allele origin: germline.
Comment: The p.T287M variant (also known as c.860C>T), located in coding exon 9 of the ANKRD1 gene, results from a C to T substitution at nucleotide position 860. The threonine at codon 287 is replaced by methionine, an amino acid with similar properties. This amino acid position is highly conserved in available vertebrate species. In addition, this alteration is predicted to be deleterious by in silico analysis. The evidence for this gene-disease relationship is limited; therefore, the clinical significance of this alteration is unclear.

GeneDx
Classification: Uncertain significance. Last evaluated: 2023-12-04. Review status: criteria provided, single submitter. Criteria: GeneDx Variant Classification Process June 2021. Collection method: clinical testing. Allele origin: germline. Affected: yes.
Comment: Has not been previously published as pathogenic or benign to our knowledge; Not observed at significant frequency in large population cohorts (gnomAD); In silico analysis supports that this missense variant has a deleterious effect on protein structure/function; This variant is associated with the following publications: (PMID: 27149842)